The following is an entry in ClinVar:

ClinVar aggregate classification (germline): Uncertain significance (1 of 4 stars; one submission).

gnomAD v4.1: 2 of 1,207,642 alleles (0.00017%); highest among the groups gnomAD compares: Admixed American, 0.0044%; no homozygotes.

Submission:

Labcorp Genetics (formerly Invitae), Labcorp
Classification: Uncertain significance. Last evaluated: 2024-12-12. Review status: criteria provided, single submitter. Criteria: Invitae Variant Classification Sherloc (09022015). Collection method: clinical testing. Allele origin: germline.
Comment: This sequence change replaces threonine, which is neutral and polar, with asparagine, which is neutral and polar, at codon 2204 of the HUWE1 protein (p.Thr2204Asn). This variant is present in population databases (no rsID available, gnomAD 0.004%). This variant has not been reported in the literature in individuals affected with HUWE1-related conditions. Invitae Evidence Modeling of protein sequence and biophysical properties (such as structural, functional, and spatial information, amino acid conservation, physicochemical variation, residue mobility, and thermodynamic stability) has been performed for this missense variant. However, the output from this modeling did not meet the statistical confidence thresholds required to predict the impact of this variant on HUWE1 protein function. In summary, the available evidence is currently insufficient to determine the role of this variant in disease. Therefore, it has been classified as a Variant of Uncertain Significance.

NM_031407.7(HUWE1):c.6611C>A (p.Thr2204Asn)

Gene: HUWE1 (HECT, UBA and WWE domain containing E3 ubiquitin protein ligase 1; minus strand). Cytogenetic location: Xp11.22.
Variant type: single nucleotide variant.
Coding change: c.6611C>A on transcript NM_031407.7 (MANE Select); coding-DNA position 6611, C replaced by A.
Protein change: p.Thr2204Asn; replaces threonine 2204 with asparagine.
Molecular consequence: missense variant.
Genome position (GRCh38, 1-based): chrX:53,568,788, G>T on the plus strand (C>A on the coding strand, the complement: HUWE1 is on the minus strand). VCF-style: chrX-53568788-G-T. GRCh37 (hg19) VCF-style: chrX-53595748-G-T.
Other names: short protein forms T2204N.
Identifiers: ClinVar variation 3628102 (VCV003628102.2).